The following is an entry in ClinVar:

NM_001267550.2(TTN):c.34054C>G (p.Leu11352Val)

Gene: TTN (titin; minus strand). Cytogenetic location: 2q31.2.
Variant type: single nucleotide variant.
Coding change: c.34054C>G on transcript NM_001267550.2 (MANE Select); coding-DNA position 34054, C replaced by G.
Protein change: p.Leu11352Val; replaces leucine 11352 with valine.
Molecular consequence: missense variant. On other transcripts: intron variant (3).
Genome position (GRCh38, 1-based): chr2:178,677,858, G>C on the plus strand (C>G on the coding strand, the complement: TTN is on the minus strand). VCF-style: chr2-178677858-G-C. GRCh37 (hg19) VCF-style: chr2-179542585-G-C.
Other names: p.L11035V:CTA>GTA; c.33103C>G, p.Leu11035Val (NM_001256850.1); c.30322C>G, p.Leu10108Val (NM_133378.4); c.13283-35541C>G (NM_003319.4); c.13859-35541C>G (NM_133437.4); c.13658-35541C>G (NM_133432.3); short protein forms L11035V, L11352V, L10108V.
Identifiers: ClinVar variation 202586 (VCV000202586.2), dbSNP rs794729414, ClinGen allele CA309674.

ClinVar aggregate classification (germline): Uncertain significance (1 of 4 stars; one submission).

gnomAD v4.1: 1 of 1,612,412 alleles (0.000062%); highest among the groups gnomAD compares: East Asian, 0.0022%; no homozygotes.

Submission:

GeneDx
Classification: Uncertain significance. Last evaluated: 2014-11-20. Review status: criteria provided, single submitter. Criteria: GeneDx Variant Classification (06012015). Collection method: clinical testing. Allele origin: germline. Affected: yes.
Comment: Missense variants in the TTN gene are considered 'unclassified' if they are not previously reported in the literature and do not have >1% frequency in the population to be considered a polymorphism. Research indicates that truncating mutations in the TTN gene are expected to account for approximately 25% of familial and 18% of sporadic idiopathic DCM; however, truncating variants in the TTN gene have been reported in approximately 3% of reported control alleles. There has been little investigation into non-truncating variants. (Herman D et al. Truncations of titin causing dilated cardiomyopathy. N Eng J Med 366:619-628, 2012) The variant is found in DCM-CRDM panel(s).